The following is an entry in ClinVar:

NM_003383.5(VLDLR):c.2252-67T>C

Gene: VLDLR (very low density lipoprotein receptor; plus strand). Cytogenetic location: 9p24.2.
Variant type: single nucleotide variant.
Coding change: c.2252-67T>C on transcript NM_003383.5 (MANE Select); 67 bases into the intron before coding-DNA position 2252, T replaced by C.
Molecular consequence: intron variant.
Genome position (GRCh38, 1-based): chr9:2,651,348, T>C. VCF-style: chr9-2651348-T-C. GRCh37 (hg19) VCF-style: chr9-2651348-T-C.
Other names: c.2252-526T>C (NM_001018056.3); c.2129-67T>C (NM_001322225.2); c.2129-526T>C (NM_001322226.2).
Identifiers: ClinVar variation 677763 (VCV000677763.2), dbSNP rs34003761, ClinGen allele CA187960269.

ClinVar aggregate classification (germline): Benign. Review status: criteria provided, multiple submitters, no conflicts (2 of 4 stars). 2 submissions from 2 submitters: Benign (2). Last evaluated 2018-06-14.

Allele frequency attached by ClinVar (database versions not stated): gnomAD exomes 0.03710; 1000 Genomes Project 0.06130; 1000 Genomes Project 30x 0.06449; gnomAD 0.06749 and 0.07103; TOPMed 0.07255.
gnomAD v4.1: 56,890 of 1,400,582 alleles (4.1%); highest among the groups gnomAD compares: African/African-American, 15%; 1,802 homozygotes.

Submissions (2):

GeneDx
Classification: Benign. Last evaluated: 2018-06-14. Review status: criteria provided, single submitter. Criteria: GeneDx Variant Classification (06012015). Collection method: clinical testing. Allele origin: germline. Affected: yes.
Comment: This variant is considered likely benign or benign based on one or more of the following criteria: it is a conservative change, it occurs at a poorly conserved position in the protein, it is predicted to be benign by multiple in silico algorithms, and/or has population frequency not consistent with disease.

Breakthrough Genomics
Classification: Benign. Review status: criteria provided, single submitter. Criteria: ACMG Guidelines, 2015. Collection method: not provided. Allele origin: germline. Inheritance: Autosomal recessive inheritance. Affected: yes.